The following is an entry in ClinVar:

ClinVar aggregate classification (germline): Benign/Likely benign. Review status: criteria provided, multiple submitters, no conflicts (2 of 4 stars). 4 submissions from 4 submitters: Benign (1); Likely benign (2). 1 of the submissions does not count toward it. Last evaluated 2026-01-17.

Conditions:
PIEZO1-related disorder. Also called: PIEZO1-related condition; PIEZO1-Related Disorders.

Allele frequency attached by ClinVar (database versions not stated): gnomAD 0.00003; ExAC 0.00005; TOPMed 0.00008; gnomAD exomes 0.00023.
gnomAD v4.1: 46 of 1,550,192 alleles (0.003%); highest among the groups gnomAD compares: Admixed American, 0.088%; no homozygotes.

Submissions (4):

Labcorp Genetics (formerly Invitae), Labcorp
Classification: Likely benign. Last evaluated: 2026-01-17. Review status: criteria provided, single submitter. Criteria: Invitae Variant Classification Sherloc (09022015). Collection method: clinical testing. Allele origin: germline.

ARUP Laboratories, Molecular Genetics and Genomics, ARUP Laboratories
Classification: Benign. Last evaluated: 2023-11-16. Review status: criteria provided, single submitter. Criteria: ARUP Molecular Germline Variant Investigation Process 2024. Collection method: clinical testing. Allele origin: germline.

Blueprint Genetics
Classification: Likely benign. Last evaluated: 2022-07-11. Review status: criteria provided, single submitter. Criteria: ACMG Guidelines, 2015. Collection method: clinical testing. Allele origin: germline.

PreventionGenetics, part of Exact Sciences
Classification: Likely benign for PIEZO1-related condition. Last evaluated: 2019-05-01. Review status: no assertion criteria provided. Collection method: clinical testing. Allele origin: germline. Not counted in ClinVar's aggregate classification.
Comment: This variant is classified as likely benign based on ACMG/AMP sequence variant interpretation guidelines (Richards et al. 2015 PMID: 25741868, with internal and published modifications).

NM_001142864.4(PIEZO1):c.6471+9G>A

Gene: PIEZO1 (piezo type mechanosensitive ion channel component 1 (Er blood group); minus strand). Cytogenetic location: 16q24.3.
Variant type: single nucleotide variant.
Coding change: c.6471+9G>A on transcript NM_001142864.4 (MANE Select); 9 bases into the intron after coding-DNA position 6471, G replaced by A.
Molecular consequence: intron variant.
Genome position (GRCh38, 1-based): chr16:88,719,565, C>T on the plus strand (G>A on the coding strand, the complement: PIEZO1 is on the minus strand). VCF-style: chr16-88719565-C-T. GRCh37 (hg19) VCF-style: chr16-88785973-C-T.
Identifiers: ClinVar variation 718634 (VCV000718634.10), dbSNP rs761913079, ClinGen allele CA8231628.